The following is an entry in ClinVar:

ClinVar aggregate classification (germline): Uncertain significance (1 of 4 stars; one submission).

Conditions:
Evans syndrome, immunodeficiency, and premature immunosenescence associated with tripeptidyl-peptidase II deficiency. Identifiers: MedGen CN231723. Disease mechanism: loss of function.

Allele frequency attached by ClinVar (database versions not stated): gnomAD exomes 0.00002; ExAC 0.00003; ESP Exome Variant Server 0.00008; gnomAD 0.00008 and 0.00010; TOPMed 0.00009.
gnomAD v4.1: 37 of 1,610,920 alleles (0.0023%); highest among the groups gnomAD compares: African/African-American, 0.045%; no homozygotes.

Submission:

Labcorp Genetics (formerly Invitae), Labcorp
Classification: Uncertain significance for Evans syndrome, immunodeficiency, and premature immunosenescence associated with tripeptidyl-peptidase II deficiency. Last evaluated: 2022-10-27. Review status: criteria provided, single submitter. Criteria: Invitae Variant Classification Sherloc (09022015). Collection method: clinical testing. Allele origin: germline.
Comment: This sequence change replaces asparagine, which is neutral and polar, with serine, which is neutral and polar, at codon 160 of the TPP2 protein (p.Asn160Ser). This variant is present in population databases (rs370191174, gnomAD 0.03%). This variant has not been reported in the literature in individuals affected with TPP2-related conditions. ClinVar contains an entry for this variant (Variation ID: 649978). Algorithms developed to predict the effect of missense changes on protein structure and function output the following: SIFT: "Tolerated"; PolyPhen-2: "Benign"; Align-GVGD: "Class C0". The serine amino acid residue is found in multiple mammalian species, which suggests that this missense change does not adversely affect protein function. In summary, the available evidence is currently insufficient to determine the role of this variant in disease. Therefore, it has been classified as a Variant of Uncertain Significance.

NM_001330588.2(TPP2):c.479A>G (p.Asn160Ser)

Gene: TPP2 (tripeptidyl peptidase 2; plus strand). Cytogenetic location: 13q33.1.
Variant type: single nucleotide variant.
Coding change: c.479A>G on transcript NM_001330588.2 (MANE Select); coding-DNA position 479, A replaced by G.
Protein change: p.Asn160Ser; replaces asparagine 160 with serine.
Molecular consequence: missense variant. On other transcripts: non-coding transcript variant (1).
Genome position (GRCh38, 1-based): chr13:102,616,484, A>G. VCF-style: chr13-102616484-A-G. GRCh37 (hg19) VCF-style: chr13-103268834-A-G.
Other names: c.479A>G, p.Asn160Ser (LRG_1341t1, NM_001367947.1, NM_003291.4); short protein forms N160S.
Identifiers: ClinVar variation 649978 (VCV000649978.6), dbSNP rs370191174, ClinGen allele CA7037520.